The following is an entry in ClinVar:

ClinVar aggregate classification (germline): Uncertain significance (1 of 4 stars; one submission).

Submission:

CeGaT Center for Human Genetics Tuebingen
Classification: Uncertain significance. Last evaluated: 2022-11-01. Review status: criteria provided, single submitter. Criteria: CeGaT Center For Human Genetics Tuebingen Variant Classification Criteria Version 2. Collection method: clinical testing. Allele origin: germline. Affected: yes. Observed: 1 variant allele.
Comment: TRIO: PM2

NM_007118.4(TRIO):c.4108G>A (p.Gly1370Arg)

Gene: TRIO (trio Rho guanine nucleotide exchange factor; plus strand). Cytogenetic location: 5p15.2.
Variant type: single nucleotide variant.
Coding change: c.4108G>A on transcript NM_007118.4 (MANE Select); coding-DNA position 4108, G replaced by A.
Protein change: p.Gly1370Arg; replaces glycine 1370 with arginine.
Molecular consequence: missense variant. On other transcripts: non-coding transcript variant (1).
Genome position (GRCh38, 1-based): chr5:14,390,280, G>A. VCF-style: chr5-14390280-G-A. GRCh37 (hg19) VCF-style: chr5-14390389-G-A.
Other names: short protein forms G1370R.
Identifiers: ClinVar variation 2655327 (VCV002655327.24), dbSNP rs2532883063, ClinGen allele CA359230646.
Genomic context (GRCh38, chr5:14,390,280, plus strand): 5'-ATTCTTTGCAGCATATTCCTAAAGGAGCTGGAAAAATATGAACAGTTGCCAGAGGATGTT[G>A]GACATTGTTTTGTTACTTGGGTAATGAAACCTCAACCATTTGTTCTCTCCCAGCTATTAG-3'
Protein context (NP_009049.2, residues 1360-1380): EKYEQLPEDV[Gly1370Arg]HCFVTWADKF